The following is an entry in ClinVar:

ClinVar aggregate classification (germline): Uncertain significance (1 of 4 stars; one submission).

Conditions:
Inborn genetic diseases. Identifiers: MedGen C0950123, MeSH D030342.
Ocular cystinosis. Also called: Non-Nephropathic Cystinosis; Non-Nephropathic (Ocular) Cystinosis. Identifiers: Orphanet 213, Orphanet 411641, MedGen C2931013, MONDO:0009064, OMIM 219750.
Juvenile nephropathic cystinosis. Also called: Intermediate Cystinosis; CYSTINOSIS, LATE-ONSET JUVENILE OR ADOLESCENT NEPHROPATHIC TYPE; Later-Onset (Juvenile) Cystinosis. Identifiers: Orphanet 213, Orphanet 411634, MedGen C0268626, MONDO:0009066, OMIM 219900.

Submission:

Labcorp Genetics (formerly Invitae), Labcorp
Classification: Uncertain significance for Inborn genetic diseases; Ocular cystinosis; Juvenile nephropathic cystinosis. Last evaluated: 2022-06-13. Review status: criteria provided, single submitter. Criteria: Invitae Variant Classification Sherloc (09022015). Collection method: clinical testing. Allele origin: germline.
Comment: This sequence change replaces asparagine, which is neutral and polar, with lysine, which is basic and polar, at codon 36 of the CTNS protein (p.Asn36Lys). This variant is not present in population databases (gnomAD no frequency). This variant has not been reported in the literature in individuals affected with CTNS-related conditions. Advanced modeling of protein sequence and biophysical properties (such as structural, functional, and spatial information, amino acid conservation, physicochemical variation, residue mobility, and thermodynamic stability) performed at Invitae indicates that this missense variant is not expected to disrupt CTNS protein function. In summary, the available evidence is currently insufficient to determine the role of this variant in disease. Therefore, it has been classified as a Variant of Uncertain Significance.

NM_004937.3(CTNS):c.108C>G (p.Asn36Lys)

Gene: CTNS (cystinosin, lysosomal cystine transporter; plus strand). Cytogenetic location: 17p13.2.
Variant type: single nucleotide variant.
Coding change: c.108C>G on transcript NM_004937.3 (MANE Select); coding-DNA position 108, C replaced by G.
Protein change: p.Asn36Lys; replaces asparagine 36 with lysine.
Molecular consequence: missense variant. On other transcripts: 5 prime UTR variant (3), intron variant (1).
Genome position (GRCh38, 1-based): chr17:3,647,490, C>G. VCF-style: chr17-3647490-C-G. GRCh37 (hg19) VCF-style: chr17-3550784-C-G.
Other names: c.108C>G, p.Asn36Lys (NM_001031681.3, NM_001374492.1); c.-249C>G (NM_001374493.1, NM_001374496.1); c.-334C>G (NM_001374494.1); c.-217+7223C>G (NM_001374495.1); short protein forms N36K.
Identifiers: ClinVar variation 2077180 (VCV002077180.1), dbSNP rs117404824, ClinGen allele CA397687073.